The following is an entry in ClinVar:

NM_022101.4(STEEP1):c.*595T>A

Gene: STEEP1 (STING1 ER exit protein 1; minus strand). Cytogenetic location: Xq24.
Variant type: single nucleotide variant.
Coding change: c.*595T>A on transcript NM_022101.4 (MANE Select); 595 bases downstream of the stop codon, T replaced by A.
Molecular consequence: 3 prime UTR variant.
Genome position (GRCh38, 1-based): chrX:119,539,132, A>T on the plus strand (T>A on the coding strand, the complement: STEEP1 is on the minus strand). VCF-style: chrX-119539132-A-T. GRCh37 (hg19) VCF-style: chrX-118673095-A-T.
Other names: c.*595T>A (NM_001170569.1, NM_001170570.2).
Identifiers: ClinVar variation 4845611 (VCV004845611.1).
Genomic context (GRCh38, chrX:119,539,132, plus strand): 5'-ATTAACTTTGAAGAAAGAATAAAAGCAGCCACTTTAGAGACTGGAGACACTCAAGCACTC[A>T]TCTATTCATAAAGTTTCTACACAGCTGAAGAAGTTTGCATCAAGTGGACAAAAAATAGTA-3'

ClinVar aggregate classification (germline): Uncertain significance (1 of 4 stars; one submission).

gnomAD v4.1: 1 of 112,386 alleles (0.00089%); highest among the groups gnomAD compares: African/African-American, 0.0032%; no homozygotes.

Submission:

Greenwood Genetic Center Diagnostic Laboratories, Greenwood Genetic Center
Classification: Uncertain significance. Last evaluated: 2025-10-28. Review status: criteria provided, single submitter. Criteria: ACMG Guidelines, 2015. Collection method: clinical testing. Allele origin: germline. Affected: yes.
Comment: PM2